The following is an entry in ClinVar:

NM_004369.4(COL6A3):c.7565C>T (p.Ala2522Val)

Gene: COL6A3 (collagen type VI alpha 3 chain; minus strand). Cytogenetic location: 2q37.3.
Variant type: single nucleotide variant.
Coding change: c.7565C>T on transcript NM_004369.4 (MANE Select); coding-DNA position 7565, C replaced by T.
Protein change: p.Ala2522Val; replaces alanine 2522 with valine.
Molecular consequence: missense variant.
Genome position (GRCh38, 1-based): chr2:237,344,453, G>A on the plus strand (C>T on the coding strand, the complement: COL6A3 is on the minus strand). VCF-style: chr2-237344453-G-A. GRCh37 (hg19) VCF-style: chr2-238253096-G-A.
Other names: c.5744C>T, p.Ala1915Val (NM_057166.5); c.6947C>T, p.Ala2316Val (NM_057167.4); short protein forms A1915V, A2316V, A2522V.
Identifiers: ClinVar variation 3611290 (VCV003611290.2).
Genomic context (GRCh38, chr2:237,344,453, plus strand): 5'-AACAAGGGGGTGATCCCCGCATCTGAGAGCTTGAGCACAGCCTCTCTGAGCTGTGGGGAT[G>A]CTCTTGTGGGTGTGTTGCTGAAGAAAACAGCCACTTTCCTCATTAGGAATCCGTTCCTCA-3'
Protein context (NP_004360.2, residues 2512-2532): AVFFSNTPTR[Ala2522Val]SPQLREAVLK

ClinVar aggregate classification (germline): Uncertain significance (1 of 4 stars; one submission).

Conditions:
Bethlem myopathy 1A. Also called: Bethlem myopathy 1; MYOPATHY, BENIGN CONGENITAL, WITH CONTRACTURES; Bethlem Muscular Dystrophy. Identifiers: Orphanet 610, MedGen CN029274, MONDO:0024530, OMIM 158810.

gnomAD v4.1: 1 of 1,614,224 alleles (0.000062%); highest among the groups gnomAD compares: Admixed American, 0.0017%; no homozygotes.

Submission:

Labcorp Genetics (formerly Invitae), Labcorp
Classification: Uncertain significance for Bethlem myopathy 1A. Last evaluated: 2025-02-03. Review status: criteria provided, single submitter. Criteria: Invitae Variant Classification Sherloc (09022015). Collection method: clinical testing. Allele origin: germline.
Comment: This sequence change replaces alanine, which is neutral and non-polar, with valine, which is neutral and non-polar, at codon 2522 of the COL6A3 protein (p.Ala2522Val). This variant is present in population databases (rs757907869, gnomAD 0.003%). This variant has not been reported in the literature in individuals affected with COL6A3-related conditions. Invitae Evidence Modeling of protein sequence and biophysical properties (such as structural, functional, and spatial information, amino acid conservation, physicochemical variation, residue mobility, and thermodynamic stability) indicates that this missense variant is not expected to disrupt COL6A3 protein function with a negative predictive value of 80%. In summary, the available evidence is currently insufficient to determine the role of this variant in disease. Therefore, it has been classified as a Variant of Uncertain Significance.